The following is an entry in ClinVar:

ClinVar aggregate classification (germline): Uncertain significance (1 of 4 stars; one submission).

Conditions:
Generalized epilepsy-paroxysmal dyskinesia syndrome (PNKD3). Also called: Generalized epilepsy and paroxysmal dyskinesia; Paroxysmal nonkinesigenic dyskinesia, 3, with or without generalized epilepsy. Identifiers: Orphanet 79137, MedGen C5574945, MONDO:0012276, OMIM 609446.

Submission:

Labcorp Genetics (formerly Invitae), Labcorp
Classification: Uncertain significance for Generalized epilepsy-paroxysmal dyskinesia syndrome. Last evaluated: 2019-10-23. Review status: criteria provided, single submitter. Criteria: Invitae Variant Classification Sherloc (09022015). Collection method: clinical testing. Allele origin: germline.
Comment: In summary, the available evidence is currently insufficient to determine the role of this variant in disease. Therefore, it has been classified as a Variant of Uncertain Significance. Algorithms developed to predict the effect of missense changes on protein structure and function are either unavailable or do not agree on the potential impact of this missense change (SIFT: "Deleterious"; PolyPhen-2: "Probably Damaging"; Align-GVGD: "Class C0"). This variant has not been reported in the literature in individuals with KCNMA1-related conditions. This variant is not present in population databases (ExAC no frequency). This sequence change replaces aspartic acid with glutamic acid at codon 497 of the KCNMA1 protein (p.Asp497Glu). The aspartic acid residue is highly conserved and there is a small physicochemical difference between aspartic acid and glutamic acid.

NM_001161352.2(KCNMA1):c.1491C>G (p.Asp497Glu)

Gene: KCNMA1 (potassium calcium-activated channel subfamily M alpha 1; minus strand). Cytogenetic location: 10q22.3.
Variant type: single nucleotide variant.
Coding change: c.1491C>G on transcript NM_001161352.2 (MANE Select); coding-DNA position 1491, C replaced by G.
Protein change: p.Asp497Glu; replaces aspartic acid 497 with glutamic acid.
Molecular consequence: missense variant.
Genome position (GRCh38, 1-based): chr10:77,084,669, G>C on the plus strand (C>G on the coding strand, the complement: KCNMA1 is on the minus strand). VCF-style: chr10-77084669-G-C. GRCh37 (hg19) VCF-style: chr10-78844427-G-C.
Other names: c.1491C>G, p.Asp497Glu (NM_001014797.3, NM_001161353.2, NM_001271519.2 and 7 more transcripts); c.1329C>G, p.Asp443Glu (NM_001271518.2); c.951C>G, p.Asp317Glu (NM_001322838.2); short protein forms D317E, D497E, D443E.
Identifiers: ClinVar variation 969847 (VCV000969847.10), dbSNP rs1381424078, ClinGen allele CA377406671.
Genomic context (GRCh38, chr10:77,084,669, plus strand): 5'-GGGCCTTCCGCAGCGCCCCAAGAGTTACCTCATGATATTCGAGGCATCCTCCGCATCCGG[G>C]TCAGCGCAGTACTTGTTGGCAAGGATCAGGCATGCATCTGCTGACTCTATCTAAGACACC-3'
Protein context (NP_001154824.1, residues 487-507): CLILANKYCA[Asp497Glu]PDAEDASNIM